The following is an entry in ClinVar:

NM_004153.4(ORC1):c.567C>T (p.Pro189=)

Gene: ORC1 (origin recognition complex subunit 1; minus strand). Cytogenetic location: 1p32.3.
Variant type: single nucleotide variant.
Coding change: c.567C>T on transcript NM_004153.4 (MANE Select); coding-DNA position 567, C replaced by T.
Protein change: p.Pro189=; no amino-acid change (proline 189 retained).
Molecular consequence: synonymous variant.
Genome position (GRCh38, 1-based): chr1:52,396,200, G>A on the plus strand (C>T on the coding strand, the complement: ORC1 is on the minus strand). VCF-style: chr1-52396200-G-A. GRCh37 (hg19) VCF-style: chr1-52861872-G-A.
Other names: c.567C>T, p.Pro189= (NM_001190818.2, NM_001190819.2).
Identifiers: ClinVar variation 2638816 (VCV002638816.24), dbSNP rs754413191, ClinGen allele CA853561.

ClinVar aggregate classification (germline): Likely benign (1 of 4 stars; one submission).

Allele frequency attached by ClinVar (database versions not stated): gnomAD 0.00001; gnomAD exomes 0.00001; TOPMed 0.00001; ExAC 0.00002.
gnomAD v4.1: 18 of 1,614,004 alleles (0.0011%); highest among the groups gnomAD compares: Middle Eastern, 0.049%; no homozygotes.

Submission:

CeGaT Center for Human Genetics Tuebingen
Classification: Likely benign. Last evaluated: 2022-12-01. Review status: criteria provided, single submitter. Criteria: CeGaT Center For Human Genetics Tuebingen Variant Classification Criteria Version 2. Collection method: clinical testing. Allele origin: germline. Affected: yes. Observed: 1 variant allele.
Comment: ORC1: BP4, BP7